The following is an entry in ClinVar:

NM_000435.3(NOTCH3):c.1308G>T (p.Leu436=)

Gene: NOTCH3 (notch receptor 3; minus strand). Cytogenetic location: 19p13.12.
Variant type: single nucleotide variant.
Coding change: c.1308G>T on transcript NM_000435.3 (MANE Select); coding-DNA position 1308, G replaced by T.
Protein change: p.Leu436=; no amino-acid change (leucine 436 retained).
Molecular consequence: synonymous variant.
Genome position (GRCh38, 1-based): chr19:15,189,059, C>A on the plus strand (G>T on the coding strand, the complement: NOTCH3 is on the minus strand). VCF-style: chr19-15189059-C-A. GRCh37 (hg19) VCF-style: chr19-15299870-C-A.
Identifiers: ClinVar variation 3385237 (VCV003385237.1).

ClinVar aggregate classification (germline): Likely benign (1 of 4 stars; one submission).

gnomAD v4.1: 13 of 1,613,188 alleles (0.00081%); highest among the groups gnomAD compares: Non-Finnish European, 0.0011%; no homozygotes.

Submission:

Women's Health and Genetics/Laboratory Corporation of America, LabCorp
Classification: Likely benign. Last evaluated: 2024-10-17. Review status: criteria provided, single submitter. Criteria: LabCorp Variant Classification Summary - May 2015. Collection method: clinical testing. Allele origin: germline.
Comment: Variant summary: NOTCH3 c.1308G>T alters a non-conserved nucleotide resulting in a synonymous change. Consensus agreement among computation tools predict no significant impact on normal splicing. However, these predictions have yet to be confirmed by functional studies. The variant allele was found at a frequency of 4e-06 in 249660 control chromosomes (gnomAD). The available data on variant occurrences in the general population are insufficient to allow any conclusion about variant significance. To our knowledge, no occurrence of c.1308G>T in individuals affected with Cerebral arteriopathy, autosomal dominant, with subcortical infarcts and leukoencephalopathy, type 1 and no experimental evidence demonstrating its impact on protein function have been reported. No submitters have cited clinical-significance assessments for this variant to ClinVar. Based on the evidence outlined above, the variant was classified as likely benign.